The following is an entry in ClinVar:

ClinVar aggregate classification (germline): Uncertain significance (1 of 4 stars; one submission).

Allele frequency attached by ClinVar (database versions not stated): ExAC 0.00003; gnomAD exomes 0.00005.
gnomAD v4.1: 26 of 1,614,090 alleles (0.0016%); highest among the groups gnomAD compares: South Asian, 0.025%; no homozygotes.

Submission:

Labcorp Genetics (formerly Invitae), Labcorp
Classification: Uncertain significance. Last evaluated: 2022-06-13. Review status: criteria provided, single submitter. Criteria: Invitae Variant Classification Sherloc (09022015). Collection method: clinical testing. Allele origin: germline.
Comment: In summary, the available evidence is currently insufficient to determine the role of this variant in disease. Therefore, it has been classified as a Variant of Uncertain Significance. Algorithms developed to predict the effect of missense changes on protein structure and function (SIFT, PolyPhen-2, Align-GVGD) all suggest that this variant is likely to be disruptive. ClinVar contains an entry for this variant (Variation ID: 857102). This variant has not been reported in the literature in individuals affected with ADAM9-related conditions. This variant is present in population databases (rs747846918, gnomAD 0.04%). This sequence change replaces arginine, which is basic and polar, with threonine, which is neutral and polar, at codon 236 of the ADAM9 protein (p.Arg236Thr).

NM_003816.3(ADAM9):c.707G>C (p.Arg236Thr)

Gene: ADAM9 (ADAM metallopeptidase domain 9; plus strand). Cytogenetic location: 8p11.22.
Variant type: single nucleotide variant.
Coding change: c.707G>C on transcript NM_003816.3 (MANE Select); coding-DNA position 707, G replaced by C.
Protein change: p.Arg236Thr; replaces arginine 236 with threonine.
Molecular consequence: missense variant. On other transcripts: non-coding transcript variant (3).
Genome position (GRCh38, 1-based): chr8:39,021,677, G>C. VCF-style: chr8-39021677-G-C. GRCh37 (hg19) VCF-style: chr8-38879196-G-C.
Other names: short protein forms R236T.
Identifiers: ClinVar variation 857102 (VCV000857102.5), dbSNP rs747846918, ClinGen allele CA4721419.